The following is an entry in ClinVar:

ClinVar aggregate classification (germline): Uncertain significance (1 of 4 stars; one submission).

Submission:

GeneDx
Classification: Uncertain significance. Last evaluated: 2024-12-06. Review status: criteria provided, single submitter. Criteria: GeneDx Variant Classification Process June 2021. Collection method: clinical testing. Allele origin: germline. Affected: yes.
Comment: Not observed at significant frequency in large population cohorts (gnomAD); In silico analysis indicates that this missense variant does not alter protein structure/function; Has not been previously published as pathogenic or benign to our knowledge

NM_001378418.1(TCF20):c.931C>G (p.Gln311Glu)

Gene: TCF20 (transcription factor 20; minus strand). Cytogenetic location: 22q13.2.
Variant type: single nucleotide variant.
Coding change: c.931C>G on transcript NM_001378418.1 (MANE Select); coding-DNA position 931, C replaced by G.
Protein change: p.Gln311Glu; replaces glutamine 311 with glutamic acid.
Molecular consequence: missense variant.
Genome position (GRCh38, 1-based): chr22:42,214,375, G>C on the plus strand (C>G on the coding strand, the complement: TCF20 is on the minus strand). VCF-style: chr22-42214375-G-C. GRCh37 (hg19) VCF-style: chr22-42610381-G-C.
Other names: c.931C>G, p.Gln311Glu (NM_005650.4, NM_181492.3); short protein forms Q311E.
Identifiers: ClinVar variation 3901393 (VCV003901393.1).